The following is an entry in ClinVar:

NM_015164.4(PLEKHM2):c.3013A>T (p.Ser1005Cys)

Gene: PLEKHM2 (pleckstrin homology and RUN domain containing M2; plus strand). Cytogenetic location: 1p36.21.
Variant type: single nucleotide variant.
Coding change: c.3013A>T on transcript NM_015164.4 (MANE Select); coding-DNA position 3013, A replaced by T.
Protein change: p.Ser1005Cys; replaces serine 1005 with cysteine.
Molecular consequence: missense variant.
Genome position (GRCh38, 1-based): chr1:15,733,887, A>T. VCF-style: chr1-15733887-A-T. GRCh37 (hg19) VCF-style: chr1-16060382-A-T.
Other names: c.2953A>T, p.Ser985Cys (NM_001410755.1); short protein forms S1005C, S985C.
Identifiers: ClinVar variation 2161640 (VCV002161640.4), dbSNP rs755528015, ClinGen allele CA338576546.

ClinVar aggregate classification (germline): Uncertain significance (1 of 4 stars; one submission).

Allele frequency attached by ClinVar (database versions not stated): gnomAD exomes below 0.00001.
gnomAD v4.1: 5 of 1,612,874 alleles (0.00031%); highest among the groups gnomAD compares: Admixed American, 0.0067%; no homozygotes.

Submission:

Labcorp Genetics (formerly Invitae), Labcorp
Classification: Uncertain significance. Last evaluated: 2021-12-30. Review status: criteria provided, single submitter. Criteria: Invitae Variant Classification Sherloc (09022015). Collection method: clinical testing. Allele origin: germline.
Comment: In summary, the available evidence is currently insufficient to determine the role of this variant in disease. Therefore, it has been classified as a Variant of Uncertain Significance. Algorithms developed to predict the effect of sequence changes on RNA splicing suggest that this variant may create or strengthen a splice site. Algorithms developed to predict the effect of missense changes on protein structure and function are either unavailable or do not agree on the potential impact of this missense change (SIFT: "Tolerated"; PolyPhen-2: "Probably Damaging"; Align-GVGD: "Class C0"). This variant has not been reported in the literature in individuals affected with PLEKHM2-related conditions. This variant is not present in population databases (gnomAD no frequency). This sequence change replaces serine, which is neutral and polar, with cysteine, which is neutral and slightly polar, at codon 1005 of the PLEKHM2 protein (p.Ser1005Cys).